The following is an entry in ClinVar:

NM_001365999.1(SZT2):c.3895C>T (p.His1299Tyr)

Gene: SZT2 (SZT2 subunit of KICSTOR complex; plus strand). Cytogenetic location: 1p34.2.
Variant type: single nucleotide variant.
Coding change: c.3895C>T on transcript NM_001365999.1 (MANE Select); coding-DNA position 3895, C replaced by T.
Protein change: p.His1299Tyr; replaces histidine 1299 with tyrosine.
Molecular consequence: missense variant.
Genome position (GRCh38, 1-based): chr1:43,428,094, C>T. VCF-style: chr1-43428094-C-T. GRCh37 (hg19) VCF-style: chr1-43893765-C-T.
Other names: c.3724C>T, p.His1242Tyr (NM_015284.4); short protein forms H1242Y, H1299Y.
Identifiers: ClinVar variation 1062354 (VCV001062354.6), dbSNP rs1239626889, ClinGen allele CA340019539.
Genomic context (GRCh38, chr1:43,428,094, plus strand): 5'-TCAGCCTGGATGGAACCCCGGTACAAGGAGGCAGCTAACCACTGTGCCCTGCTGCAGGAG[C>T]ATGCACAGCGGTGCTATGTCCGTGGTGAGCAGGAGGGCCGTGGGAGGGAGGAGTGGGGCC-3'
Protein context (NP_001352928.1, residues 1289-1309): AANHCALLQE[His1299Tyr]AQRCYVRGLF

ClinVar aggregate classification (germline): Uncertain significance (1 of 4 stars; one submission).

Allele frequency attached by ClinVar (database versions not stated): gnomAD exomes below 0.00001.
gnomAD v4.1: 1 of 1,614,136 alleles (0.000062%); no homozygotes.

Submission:

Labcorp Genetics (formerly Invitae), Labcorp
Classification: Uncertain significance. Last evaluated: 2024-03-02. Review status: criteria provided, single submitter. Criteria: Invitae Variant Classification Sherloc (09022015). Collection method: clinical testing. Allele origin: germline.
Comment: This sequence change replaces histidine, which is basic and polar, with tyrosine, which is neutral and polar, at codon 1242 of the SZT2 protein (p.His1242Tyr). This variant is present in population databases (no rsID available, gnomAD 0.01%). This variant has not been reported in the literature in individuals affected with SZT2-related conditions. ClinVar contains an entry for this variant (Variation ID: 1062354). Advanced modeling of protein sequence and biophysical properties (such as structural, functional, and spatial information, amino acid conservation, physicochemical variation, residue mobility, and thermodynamic stability) has been performed at Invitae for this missense variant, however the output from this modeling did not meet the statistical confidence thresholds required to predict the impact of this variant on SZT2 protein function. In summary, the available evidence is currently insufficient to determine the role of this variant in disease. Therefore, it has been classified as a Variant of Uncertain Significance.